The following is an entry in ClinVar:

NM_001008537.3(NEXMIF):c.4441T>C (p.Ser1481Pro)

Gene: NEXMIF (neurite extension and migration factor; minus strand). Cytogenetic location: Xq13.3.
Variant type: single nucleotide variant.
Coding change: c.4441T>C on transcript NM_001008537.3 (MANE Select); coding-DNA position 4441, T replaced by C.
Protein change: p.Ser1481Pro; replaces serine 1481 with proline.
Molecular consequence: missense variant.
Genome position (GRCh38, 1-based): chrX:74,740,116, A>G on the plus strand (T>C on the coding strand, the complement: NEXMIF is on the minus strand). VCF-style: chrX-74740116-A-G. GRCh37 (hg19) VCF-style: chrX-73959951-A-G.
Other names: short protein forms S1481P.
Identifiers: ClinVar variation 1382681 (VCV001382681.8), dbSNP rs1395125782, ClinGen allele CA413663217.

ClinVar aggregate classification (germline): Uncertain significance (1 of 4 stars; one submission).

Allele frequency attached by ClinVar (database versions not stated): gnomAD exomes below 0.00001 and 0.00001.
gnomAD v4.1: 4 of 1,209,444 alleles (0.00033%); highest among the groups gnomAD compares: Admixed American, 0.0022%; no homozygotes.

Submission:

Labcorp Genetics (formerly Invitae), Labcorp
Classification: Uncertain significance. Last evaluated: 2025-07-23. Review status: criteria provided, single submitter. Criteria: Invitae Variant Classification Sherloc (09022015). Collection method: clinical testing. Allele origin: germline.
Comment: This sequence change replaces serine, which is neutral and polar, with proline, which is neutral and non-polar, at codon 1481 of the NEXMIF protein (p.Ser1481Pro). This variant is present in population databases (no rsID available, gnomAD 0.004%). This variant has not been reported in the literature in individuals affected with NEXMIF-related conditions. ClinVar contains an entry for this variant (Variation ID: 1382681). An algorithm developed to predict the effect of missense changes on protein structure and function (PolyPhen-2) suggests that this variant is likely to be disruptive. In summary, the available evidence is currently insufficient to determine the role of this variant in disease. Therefore, it has been classified as a Variant of Uncertain Significance.